The following is an entry in ClinVar:

ClinVar aggregate classification (germline): Uncertain significance (0 of 4 stars; one submission).

Conditions:
L1CAM-related disorder. Also called: L1CAM-related condition.

Submission:

PreventionGenetics, part of Exact Sciences
Classification: Uncertain significance for L1CAM-related condition. Last evaluated: 2024-09-04. Review status: no assertion criteria provided. Collection method: clinical testing. Allele origin: germline.
Comment: The L1CAM c.2125A>C variant is predicted to result in the amino acid substitution p.Thr709Pro. To our knowledge, this variant has not been reported in the literature or in a large population database, indicating this variant is rare. At this time, the clinical significance of this variant is uncertain due to the absence of conclusive functional and genetic evidence.

NM_001278116.2(L1CAM):c.2125A>C (p.Thr709Pro)

Gene: L1CAM (L1 cell adhesion molecule; minus strand). Cytogenetic location: Xq28.
Variant type: single nucleotide variant.
Coding change: c.2125A>C on transcript NM_001278116.2 (MANE Select); coding-DNA position 2125, A replaced by C.
Protein change: p.Thr709Pro; replaces threonine 709 with proline.
Molecular consequence: missense variant.
Genome position (GRCh38, 1-based): chrX:153,867,368, T>G on the plus strand (A>C on the coding strand, the complement: L1CAM is on the minus strand). VCF-style: chrX-153867368-T-G. GRCh37 (hg19) VCF-style: chrX-153132823-T-G.
Other names: c.2125A>C, p.Thr709Pro (NM_000425.5, NM_024003.3); c.2110A>C, p.Thr704Pro (NM_001143963.2); short protein forms T704P, T709P.
Identifiers: ClinVar variation 3347714 (VCV003347714.1).